The following is an entry in ClinVar:

ClinVar aggregate classification (germline): Likely benign (1 of 4 stars; one submission).

gnomAD v4.1: 40 of 1,209,952 alleles (0.0033%); highest among the groups gnomAD compares: Non-Finnish European, 0.0044%; no homozygotes.

Submission:

CeGaT Center for Human Genetics Tuebingen
Classification: Likely benign. Last evaluated: 2026-04-01. Review status: criteria provided, single submitter. Criteria: CeGaT Center For Human Genetics Tuebingen Variant Classification Criteria Version 2. Collection method: clinical testing. Allele origin: germline. Affected: yes. Observed: 1 variant allele.
Comment: AIFM1: BP4, BS2

NM_004208.4(AIFM1):c.249+1297G>A

Genes: AIFM1 (apoptosis inducing factor mitochondria associated 1; minus strand), RAB33A (RAB33A, member RAS oncogene family; plus strand). Cytogenetic location: Xq26.1.
Variant type: single nucleotide variant.
Coding change: c.249+1297G>A on transcript NM_004208.4 (MANE Select); 1297 bases into the intron after coding-DNA position 249, G replaced by A.
Molecular consequence: intron variant. On other transcripts: missense variant (1).
Genome position (GRCh38, 1-based): chrX:130,155,164, C>T on the plus strand (G>A on the coding strand, the complement: AIFM1 is on the minus strand). VCF-style: chrX-130155164-C-T. GRCh37 (hg19) VCF-style: chrX-129289139-C-T.
Other names: c.249+1297G>A (NM_001130847.4); c.229G>A, p.Val77Ile (NM_145812.3); short protein forms V77I.
Identifiers: ClinVar variation 4874245 (VCV004874245.2).